The following is an entry in ClinVar:

ClinVar aggregate classification (germline): Benign. Review status: criteria provided, multiple submitters, no conflicts (2 of 4 stars). 9 submissions from 9 submitters: Benign (8). 1 of the submissions does not count toward it. Last evaluated 2026-02-04.

Conditions:
Beta-D-mannosidosis (MANSB). Also called: Beta-Mannosidosis; MANNOSIDOSIS, BETA A, LYSOSOMAL; BETA-MANNOSIDASE DEFICIENCY; LYSOSOMAL BETA-MANNOSIDASE DEFICIENCY. Identifiers: Orphanet 118, MedGen C4048196, MONDO:0009562, OMIM 248510.

Allele frequency attached by ClinVar (database versions not stated): ESP Exome Variant Server 0.54844; 1000 Genomes Project 30x 0.55824; TOPMed 0.56666; 1000 Genomes Project 0.54912.
gnomAD v4.1: 841,742 of 1,608,224 alleles (52%); highest among the groups gnomAD compares: Admixed American, 70%; 223,306 homozygotes.

Submissions (9):

Labcorp Genetics (formerly Invitae), Labcorp
Classification: Benign for Beta-D-mannosidosis. Last evaluated: 2026-02-04. Review status: criteria provided, single submitter. Criteria: Invitae Variant Classification Sherloc (09022015). Collection method: clinical testing. Allele origin: germline.

Genome-Nilou Lab
Classification: Benign for Beta-D-mannosidosis. Last evaluated: 2021-09-05. Review status: criteria provided, single submitter. Criteria: ACMG Guidelines, 2015. Collection method: clinical testing. Allele origin: germline. Affected: no.

Women's Health and Genetics/Laboratory Corporation of America, LabCorp
Classification: Benign. Last evaluated: 2021-03-21. Review status: criteria provided, single submitter. Criteria: LabCorp Variant Classification Summary - May 2015. Collection method: clinical testing. Allele origin: germline.

GeneDx
Classification: Benign. Last evaluated: 2018-06-13. Review status: criteria provided, single submitter. Criteria: GeneDx Variant Classification (06012015). Collection method: clinical testing. Allele origin: germline. Affected: yes.
Comment: This variant is considered likely benign or benign based on one or more of the following criteria: it is a conservative change, it occurs at a poorly conserved position in the protein, it is predicted to be benign by multiple in silico algorithms, and/or has population frequency not consistent with disease.

Illumina Laboratory Services, Illumina
Classification: Benign for Beta-D-mannosidosis. Last evaluated: 2018-01-13. Review status: criteria provided, single submitter. Criteria: ICSL Variant Classification Criteria 13 December 2019. Collection method: clinical testing. Allele origin: germline.
Comment: This variant was observed in the ICSL laboratory as part of a predisposition screen in an ostensibly healthy population. It had not been previously curated by ICSL or reported in the Human Gene Mutation Database (HGMD: prior to June 1st, 2018), and was therefore a candidate for classification through an automated scoring system. Utilizing variant allele frequency, disease prevalence and penetrance estimates, and inheritance mode, an automated score was calculated to assess if this variant is too frequent to cause the disease. Based on the score and internal cut-off values, a variant classified as benign is not then subjected to further curation. The score for this variant resulted in a classification of benign for this disease.

Laboratory for Molecular Medicine, Mass General Brigham Personalized Medicine
Classification: Benign. Last evaluated: 2016-03-29. Review status: criteria provided, single submitter. Criteria: LMM Criteria. Collection method: clinical testing. Allele origin: germline.
Comment: Variant identified in a genome or exome case(s) and assessed due to predicted null impact of the variant or pathogenic assertions in the literature or databases. Disclaimer: This variant has not undergone full assessment. The following are preliminary notes: Frequency

Eurofins Ntd Llc (ga)
Classification: Benign. Last evaluated: 2013-01-16. Review status: criteria provided, single submitter. Criteria: EGL Classification Definitions 2015. Collection method: clinical testing. Allele origin: germline. Observed: 1 variant allele, 1 heterozygote.

Breakthrough Genomics
Classification: Benign. Review status: criteria provided, single submitter. Criteria: ACMG Guidelines, 2015. Collection method: not provided. Allele origin: germline. Inheritance: Autosomal recessive inheritance. Affected: yes.

Mayo Clinic Laboratories, Mayo Clinic
Classification: Benign. Last evaluated: 2015-10-23. Review status: no assertion criteria provided. Collection method: clinical testing. Allele origin: unknown. Not counted in ClinVar's aggregate classification.

NM_005908.4(MANBA):c.2102C>T (p.Thr701Met)

Gene: MANBA (mannosidase beta; minus strand). Cytogenetic location: 4q24.
Variant type: single nucleotide variant.
Coding change: c.2102C>T on transcript NM_005908.4 (MANE Select); coding-DNA position 2102, C replaced by T.
Protein change: p.Thr701Met; replaces threonine 701 with methionine.
Molecular consequence: missense variant.
Genome position (GRCh38, 1-based): chr4:102,635,920, G>A on the plus strand (C>T on the coding strand, the complement: MANBA is on the minus strand). VCF-style: chr4-102635920-G-A. GRCh37 (hg19) VCF-style: chr4-103557077-G-A.
Other names: short protein forms T701M.
Identifiers: ClinVar variation 95319 (VCV000095319.27), dbSNP rs2866413, ClinGen allele CA148427.